The following continues an entry in ClinVar:

NM_000059.4(BRCA2):c.9338T>C (p.Ile3113Thr)

Gene: BRCA2. ClinVar aggregate classification (germline): Conflicting classifications of pathogenicity. Uncertain significance (11); Likely benign (1).

Submissions 12 to 16 of 16:

Women's Health and Genetics/Laboratory Corporation of America, LabCorp
Classification: Uncertain significance. Last evaluated: 2020-07-06. Review status: criteria provided, single submitter. Criteria: LabCorp Variant Classification Summary - May 2015. Collection method: clinical testing. Allele origin: germline.
Comment: Variant summary: BRCA2 c.9338T>C (p.Ile3113Thr) results in a non-conservative amino acid change in the encoded protein sequence. Three of five in-silico tools predict a benign effect of the variant on protein function. The variant allele was found at a frequency of 8e-06 in 251296 control chromosomes. The available data on variant occurrences in the general population are insufficient to allow any conclusion about variant significance. To our knowledge, no occurrence of c.9338T>C in individuals affected with Hereditary Breast And Ovarian Cancer Syndrome and no experimental evidence demonstrating its impact on protein function have been reported. At-least one co-occurrence with another pathogenic variant has been observed in our laboratory (BRCA2 c.1813dupA, p.Ile605AsnfsX11), providing supporting evidence for a benign role. Six clinical diagnostic laboratories have submitted clinical-significance assessments for this variant to ClinVar after 2014 without evidence for independent evaluation. All laboratories classified the variant as uncertain significance. Based on the evidence outlined above, the variant was classified as uncertain significance.

Counsyl
Classification: Uncertain significance for Breast-ovarian cancer, familial, susceptibility to, 2. Last evaluated: 2016-09-13. Review status: no assertion criteria provided. Collection method: clinical testing. Allele origin: unknown. Not counted in ClinVar's aggregate classification.

Research Molecular Genetics Laboratory, Women's College Hospital, University of Toronto
Classification: Uncertain significance. Last evaluated: 2014-01-31. Review status: no assertion criteria provided. Collection method: research. Allele origin: germline. Affected: yes. Study: The Canadian Open Genetics Repository (COGR). Not counted in ClinVar's aggregate classification.

Foulkes Cancer Genetics LDI, Lady Davis Institute for Medical Research
Classification: Uncertain significance for Breast and/or ovarian cancer. Last evaluated: 2013-08-02. Review status: no assertion criteria provided. Collection method: clinical testing. Allele origin: germline. Study: The Canadian Open Genetics Repository (COGR). Not counted in ClinVar's aggregate classification.

Department of Pathology and Laboratory Medicine, Sinai Health System
Classification: Uncertain significance for Malignant tumor of breast. Review status: no assertion criteria provided. Collection method: clinical testing. Allele origin: unknown. Affected: yes. Observed: 4 variant alleles. Study: The Canadian Open Genetics Repository (COGR). Not counted in ClinVar's aggregate classification.
Comment: The BRCA2 p.Ile3113Thr variant was not identified in the literature nor was it identified in the following databases: Cosmic, MutDB, LOVD 3.0, BIC, ARUP Laboratories, or Zhejiang University database. The variant was identified in dbSNP (ID: rs770003991) as "With Uncertain significance allele", ClinVar (classified as uncertain significance by Ambry Genetics, Invitae, Counsyl, Color Genomics and two other clinical laboratories), COGR, and UMD-LSDB. The variant was identified in control databases in 2 of 246074 chromosomes at a frequency of 0.000008 (Genome Aggregation Database Feb 27, 2017). The variant was observed in the European population in 2 of 111592 chromosomes (freq: 0.00002), but not the other populations. The p.Ile3113 residue is not conserved in mammals and 4 of 5 computational analyses (PolyPhen-2, SIFT, AlignGVGD, BLOSUM, MutationTaster) suggest that the variant may impact the protein; however, this information is not predictive enough to assume pathogenicity. The variant occurs outside of the splicing consensus sequence and 4 of 4 in silico or computational prediction software programs (SpliceSiteFinder, MaxEntScan, NNSPLICE, GeneSplicer,) do not predict a difference in splicing. In summary, based on the above information, the clinical significance of this variant cannot be determined with certainty at this time. This variant is classified as a variant of uncertain significance.

Literature cited by the submitters: PubMed 32885271 (cited by 5 submitters); PubMed 33471991 (cited by 3 submitters); PubMed 32483276 (cited by 3 submitters).